The following is an entry in ClinVar:

NM_001267550.2(TTN):c.3010G>A (p.Glu1004Lys)

Gene: TTN (titin; minus strand). Cytogenetic location: 2q31.2.
Variant type: single nucleotide variant.
Coding change: c.3010G>A on transcript NM_001267550.2 (MANE Select); coding-DNA position 3010, G replaced by A.
Protein change: p.Glu1004Lys; replaces glutamic acid 1004 with lysine.
Molecular consequence: missense variant.
Genome position (GRCh38, 1-based): chr2:178,782,896, C>T on the plus strand (G>A on the coding strand, the complement: TTN is on the minus strand). VCF-style: chr2-178782896-C-T. GRCh37 (hg19) VCF-style: chr2-179647623-C-T.
Other names: c.3010G>A, p.Glu1004Lys (NM_001256850.1, NM_133378.4, NM_133379.5); c.2872G>A, p.Glu958Lys (NM_003319.4, NM_133432.3, NM_133437.4); short protein forms E1004K, E958K.
Identifiers: ClinVar variation 192091 (VCV000192091.18), dbSNP rs200902055, ClinGen allele CA238309.

ClinVar aggregate classification (germline): Conflicting classifications of pathogenicity. Review status: criteria provided, conflicting classifications (1 of 4 stars). 8 submissions from 8 submitters: Uncertain significance (5); Likely benign (3). Last evaluated 2026-07-01.

Conditions:
Cardiovascular phenotype. Identifiers: MedGen CN230736.
TTN-related disorder. Also called: TTN-related condition; TTN-related disease; TTN-related disorders.
Dilated cardiomyopathy 1G (CMD1G). Identifiers: Orphanet 154, MedGen C1858763, MONDO:0011400, OMIM 604145.
Autosomal recessive limb-girdle muscular dystrophy type 2J (LGMDR10). Also called: Limb-girdle muscular dystrophy, type 2J; MUSCULAR DYSTROPHY, LIMB-GIRDLE, AUTOSOMAL RECESSIVE 10. Identifiers: Orphanet 140922, MedGen C1837342, MONDO:0012127, OMIM 608807.

Allele frequency attached by ClinVar (database versions not stated): gnomAD exomes 0.00005 and 0.00012; ESP Exome Variant Server 0.00008; ExAC 0.00009; TOPMed 0.00013; gnomAD 0.00014.
gnomAD v4.1: 98 of 1,613,922 alleles (0.0061%); highest among the groups gnomAD compares: Admixed American, 0.047%; no homozygotes.

Submissions (8):

PreventionGenetics, part of Exact Sciences
Classification: Uncertain significance for TTN-related condition. Last evaluated: 2026-07-01. Review status: criteria provided, single submitter. Criteria: ACMG Guidelines, 2015. Collection method: clinical testing. Allele origin: germline.
Comment: The TTN c.3010G>A variant is predicted to result in the amino acid substitution p.Glu1004Lys. This variant has been reported in an individual who underwent exome sequencing as part of cohort of individuals with a spectrum of coronary artery disease risk (Supplemental Table 3, Ng et al. 2013. PubMed ID: 23861362). This variant is reported in 0.062% of alleles in individuals of Latino descent in gnomAD. Although we suspect that this variant may be benign, at this time, the clinical significance of this variant is uncertain due to the absence of conclusive functional and genetic evidence.

Blueprint Genetics
Classification: Likely benign. Last evaluated: 2021-07-06. Review status: criteria provided, single submitter. Criteria: ACMG Guidelines, 2015. Collection method: clinical testing. Allele origin: germline.

GeneDx
Classification: Likely benign. Last evaluated: 2020-07-10. Review status: criteria provided, single submitter. Criteria: GeneDx Variant Classification Process June 2021. Collection method: clinical testing. Allele origin: germline. Affected: yes.
Comment: This variant is associated with the following publications: (PMID: 23861362)

Ambry Genetics
Classification: Likely benign for Cardiovascular phenotype. Last evaluated: 2020-06-17. Review status: criteria provided, single submitter. Criteria: Ambry Variant Classification Scheme 2023. Collection method: clinical testing. Allele origin: germline.

Eurofins Ntd Llc (ga)
Classification: Uncertain significance. Last evaluated: 2018-06-15. Review status: criteria provided, single submitter. Criteria: EGL ClinVar v180209 classification definitions. Collection method: clinical testing. Allele origin: germline. Observed: 2 variant alleles, 2 heterozygotes.

Labcorp Genetics (formerly Invitae), Labcorp
Classification: Uncertain significance for Dilated cardiomyopathy 1G; Autosomal recessive limb-girdle muscular dystrophy type 2J. Last evaluated: 2018-01-04. Review status: criteria provided, single submitter. Criteria: Invitae Variant Classification Sherloc (09022015). Collection method: clinical testing. Allele origin: germline.

Athena Diagnostics
Classification: Uncertain significance. Last evaluated: 2017-09-15. Review status: criteria provided, single submitter. Criteria: Athena Diagnostics Criteria. Collection method: clinical testing. Allele origin: germline.

Biesecker Lab/Clinical Genomics Section, National Institutes of Health
Classification: Uncertain significance. Last evaluated: 2013-06-24. Review status: criteria provided, single submitter. Criteria: Ng et al. (Circ Cardiovasc Genet. 2013). Collection method: research. Allele origin: unknown. Observed: 1 variant allele. Study: ClinSeq.
Comment: The study set was not selected for affection status in relation to any cancer. Pathogenicity categories were based on literature curation. See Pubmed ID:23861362 for details.

Medical sequencing

Literature cited by the submitters: PubMed 23861362 (cited by Ambry Genetics).